The following is an entry in ClinVar:

NM_020312.4(COQ9):c.712-194G>A

Gene: COQ9 (coenzyme Q9; plus strand). Cytogenetic location: 16q21.
Variant type: single nucleotide variant.
Coding change: c.712-194G>A on transcript NM_020312.4 (MANE Select); 194 bases into the intron before coding-DNA position 712, G replaced by A.
Molecular consequence: intron variant.
Genome position (GRCh38, 1-based): chr16:57,459,371, G>A. VCF-style: chr16-57459371-G-A. GRCh37 (hg19) VCF-style: chr16-57493283-G-A.
Identifiers: ClinVar variation 673307 (VCV000673307.1), dbSNP rs118076482, ClinGen allele CA15877337.
Genomic context (GRCh38, chr16:57,459,371, plus strand): 5'-TCCTGATTCCTGGCACTTTATTTAGATCCATTGACTCTACTCTTAAGAGGTTGGGCCCAG[G>A]AGCTTGCATTTTTAATCAAGTAGGTAATTCTGATGCTCAGTCAAGTTTGAGATGGTAGTG-3'

ClinVar aggregate classification (germline): Likely benign (1 of 4 stars; one submission).

Allele frequency attached by ClinVar (database versions not stated): 1000 Genomes Project 30x 0.01156; 1000 Genomes Project 0.01218; TOPMed 0.02231; gnomAD 0.02407 and 0.02471.

Submission:

GeneDx
Classification: Likely benign. Last evaluated: 2018-06-14. Review status: criteria provided, single submitter. Criteria: GeneDx Variant Classification (06012015). Collection method: clinical testing. Allele origin: germline. Affected: yes.
Comment: This variant is considered likely benign or benign based on one or more of the following criteria: it is a conservative change, it occurs at a poorly conserved position in the protein, it is predicted to be benign by multiple in silico algorithms, and/or has population frequency not consistent with disease.